The following is an entry in ClinVar:

ClinVar aggregate classification (germline): Uncertain significance (1 of 4 stars; one submission).

Allele frequency attached by ClinVar (database versions not stated): gnomAD exomes below 0.00001; gnomAD 0.00001; TOPMed 0.00002.
gnomAD v4.1: 8 of 1,612,276 alleles (0.0005%); highest among the groups gnomAD compares: Admixed American, 0.0017%; no homozygotes.

Submission:

Labcorp Genetics (formerly Invitae), Labcorp
Classification: Uncertain significance. Last evaluated: 2025-04-28. Review status: criteria provided, single submitter. Criteria: Invitae Variant Classification Sherloc (09022015). Collection method: clinical testing. Allele origin: germline.
Comment: This sequence change replaces threonine, which is neutral and polar, with methionine, which is neutral and non-polar, at codon 291 of the CFH protein (p.Thr291Met). This variant is present in population databases (no rsID available, gnomAD 0.0009%). This variant has not been reported in the literature in individuals affected with CFH-related conditions. ClinVar contains an entry for this variant (Variation ID: 1946797). An algorithm developed to predict the effect of missense changes on protein structure and function (PolyPhen-2) suggests that this variant is likely to be disruptive. In summary, the available evidence is currently insufficient to determine the role of this variant in disease. Therefore, it has been classified as a Variant of Uncertain Significance.

NM_000186.4(CFH):c.872C>T (p.Thr291Met)

Gene: CFH (complement factor H; plus strand). Cytogenetic location: 1q31.3.
Variant type: single nucleotide variant.
Coding change: c.872C>T on transcript NM_000186.4 (MANE Select); coding-DNA position 872, C replaced by T.
Protein change: p.Thr291Met; replaces threonine 291 with methionine.
Molecular consequence: missense variant.
Genome position (GRCh38, 1-based): chr1:196,685,145, C>T. VCF-style: chr1-196685145-C-T. GRCh37 (hg19) VCF-style: chr1-196654275-C-T.
Other names: c.872C>T, p.Thr291Met (NM_001014975.3); short protein forms T291M.
Identifiers: ClinVar variation 1946797 (VCV001946797.5), dbSNP rs753464350, ClinGen allele CA35820467.